The following is an entry in ClinVar:

NM_177438.3(DICER1):c.574-14T>C

Gene: DICER1 (dicer 1, ribonuclease III; minus strand). Cytogenetic location: 14q32.13.
Variant type: single nucleotide variant.
Coding change: c.574-14T>C on transcript NM_177438.3 (MANE Select); 14 bases into the intron before coding-DNA position 574, T replaced by C.
Molecular consequence: intron variant.
Genome position (GRCh38, 1-based): chr14:95,129,646, A>G on the plus strand (T>C on the coding strand, the complement: DICER1 is on the minus strand). VCF-style: chr14-95129646-A-G. GRCh37 (hg19) VCF-style: chr14-95595983-A-G.
Other names: c.574-14T>C (NM_001291628.2, NM_030621.4, NM_001395677.1 and 14 more transcripts); c.169-14T>C (NM_001395690.1, NM_001395687.1, NM_001395689.1 and 3 more transcripts); c.292-14T>C (NM_001395686.1); c.7-14T>C (NM_001395691.1); c.-995-14T>C (NM_001395697.1).
Identifiers: ClinVar variation 4771030 (VCV004771030.1).

ClinVar aggregate classification (germline): Uncertain significance (1 of 4 stars; one submission).

Conditions:
DICER1-related tumor predisposition. Also called: DICER1-related pleuropulmonary blastoma cancer predisposition syndrome; DICER1 syndrome. Identifiers: Orphanet 284343, MedGen C3839822, MONDO:0100216.

Submission:

Labcorp Genetics (formerly Invitae), Labcorp
Classification: Uncertain significance for DICER1-related tumor predisposition. Last evaluated: 2025-03-21. Review status: criteria provided, single submitter. Criteria: Invitae Variant Classification Sherloc (09022015). Collection method: clinical testing. Allele origin: germline.
Comment: This sequence change falls in intron 5 of the DICER1 gene. It does not directly change the encoded amino acid sequence of the DICER1 protein. This variant is not present in population databases (gnomAD no frequency). This variant has not been reported in the literature in individuals affected with DICER1-related conditions. Algorithms developed to predict the effect of sequence changes on RNA splicing suggest that this variant may disrupt the consensus splice site. In summary, the available evidence is currently insufficient to determine the role of this variant in disease. Therefore, it has been classified as a Variant of Uncertain Significance.